The following is an entry in ClinVar:

NM_138694.4(PKHD1):c.5371C>T (p.Pro1791Ser)

Gene: PKHD1 (PKHD1 ciliary IPT domain containing fibrocystin/polyductin; minus strand). Cytogenetic location: 6p12.2.
Variant type: single nucleotide variant.
Coding change: c.5371C>T on transcript NM_138694.4 (MANE Select); coding-DNA position 5371, C replaced by T.
Protein change: p.Pro1791Ser; replaces proline 1791 with serine.
Molecular consequence: missense variant.
Genome position (GRCh38, 1-based): chr6:52,022,810, G>A on the plus strand (C>T on the coding strand, the complement: PKHD1 is on the minus strand). VCF-style: chr6-52022810-G-A. GRCh37 (hg19) VCF-style: chr6-51887608-G-A.
Other names: c.5371C>T, p.Pro1791Ser (NM_170724.3); short protein forms P1791S.
Identifiers: ClinVar variation 5004893 (VCV005004893.1).

ClinVar aggregate classification (germline): Uncertain significance (1 of 4 stars; one submission).

Conditions:
Polycystic kidney disease 4 (PKD4). Also called: PKD3; POLYCYSTIC KIDNEY AND HEPATIC DISEASE 1; POLYCYSTIC KIDNEY DISEASE, INFANTILE, TYPE I; POLYCYSTIC KIDNEY DISEASE 4 WITH OR WITHOUT POLYCYSTIC LIVER DISEASE; Autosomal Recessive Polycystic Kidney Disease – PKHD1. Identifiers: MedGen C4540575, MONDO:0033004, OMIM 263200.

Submission:

Myriad Genetics, Inc.
Classification: Uncertain significance for Polycystic kidney disease 4. Last evaluated: 2026-08-27. Review status: criteria provided, single submitter. Criteria: Myriad Autosomal Dominant, Autosomal Recessive and X-Linked Classification Criteria (2023). Collection method: clinical testing. Allele origin: unknown.
Comment: NM_138694.3(PKHD1):c.5371C>T(P1791S) is a missense variant classified as a variant of uncertain significance in the context of autosomal recessive polycystic kidney disease, PKHD1-related. P1791S has been observed in cases with relevant disease (PMID: 33940108). Relevant functional assessments of this variant are not available in the literature. P1791S has not been observed in referenced population frequency databases. In summary, there is insufficient evidence to classify NM_138694.3(PKHD1):c.5371C>T(P1791S) as pathogenic or benign. Please note: this variant was assessed in the context of healthy population screening.

Literature cited by the submitters: PubMed 33940108.